The following is an entry in ClinVar:

NM_018089.3(ANKZF1):c.1882C>T (p.Arg628Trp)

Gene: ANKZF1 (ankyrin repeat and zinc finger peptidyl tRNA hydrolase 1; plus strand). Cytogenetic location: 2q35.
Variant type: single nucleotide variant.
Coding change: c.1882C>T on transcript NM_018089.3 (MANE Select); coding-DNA position 1882, C replaced by T.
Protein change: p.Arg628Trp; replaces arginine 628 with tryptophan.
Molecular consequence: missense variant.
Genome position (GRCh38, 1-based): chr2:219,235,786, C>T. VCF-style: chr2-219235786-C-T. GRCh37 (hg19) VCF-style: chr2-220100508-C-T.
Other names: c.1882C>T, p.Arg628Trp (NM_001042410.2); c.1252C>T, p.Arg418Trp (NM_001282792.2); short protein forms R418W, R628W.
Identifiers: ClinVar variation 1404539 (VCV001404539.6), dbSNP rs747660271, ClinGen allele CA2121217.

ClinVar aggregate classification (germline): Uncertain significance (1 of 4 stars; one submission).

gnomAD v4.1: 69 of 1,614,038 alleles (0.0043%); highest among the groups gnomAD compares: Admixed American, 0.067%; no homozygotes.

Submission:

Labcorp Genetics (formerly Invitae), Labcorp
Classification: Uncertain significance. Last evaluated: 2026-01-18. Review status: criteria provided, single submitter. Criteria: Invitae Variant Classification Sherloc (09022015). Collection method: clinical testing. Allele origin: germline.
Comment: This sequence change replaces arginine, which is basic and polar, with tryptophan, which is neutral and slightly polar, at codon 628 of the ANKZF1 protein (p.Arg628Trp). This variant is present in population databases (rs747660271, gnomAD 0.08%), and has an allele count higher than expected for a pathogenic variant. This variant has not been reported in the literature in individuals affected with ANKZF1-related conditions. ClinVar contains an entry for this variant (Variation ID: 1404539). An algorithm developed to predict the effect of missense changes on protein structure and function (PolyPhen-2) suggests that this variant is likely to be disruptive. In summary, the available evidence is currently insufficient to determine the role of this variant in disease. Therefore, it has been classified as a Variant of Uncertain Significance.